The following is an entry in ClinVar:

ClinVar aggregate classification (germline): Uncertain significance (1 of 4 stars; one submission).

Submission:

Labcorp Genetics (formerly Invitae), Labcorp
Classification: Uncertain significance. Last evaluated: 2024-10-18. Review status: criteria provided, single submitter. Criteria: Invitae Variant Classification Sherloc (09022015). Collection method: clinical testing. Allele origin: germline.
Comment: This sequence change replaces glycine, which is neutral and non-polar, with valine, which is neutral and non-polar, at codon 371 of the MYLK3 protein (p.Gly371Val). This variant is not present in population databases (gnomAD no frequency). This missense change has been observed in individual(s) with cardiomyopathy (internal data). An algorithm developed to predict the effect of missense changes on protein structure and function (PolyPhen-2) suggests that this variant is likely to be disruptive. In summary, the available evidence is currently insufficient to determine the role of this variant in disease. Therefore, it has been classified as a Variant of Uncertain Significance.

NM_182493.3(MYLK3):c.1112G>T (p.Gly371Val)

Gene: MYLK3 (myosin light chain kinase 3; minus strand). Cytogenetic location: 16q11.2.
Variant type: single nucleotide variant.
Coding change: c.1112G>T on transcript NM_182493.3 (MANE Select); coding-DNA position 1112, G replaced by T.
Protein change: p.Gly371Val; replaces glycine 371 with valine.
Molecular consequence: missense variant.
Genome position (GRCh38, 1-based): chr16:46,732,558, C>A on the plus strand (G>T on the coding strand, the complement: MYLK3 is on the minus strand). VCF-style: chr16-46732558-C-A. GRCh37 (hg19) VCF-style: chr16-46766470-C-A.
Other names: c.89G>T, p.Gly30Val (NM_001308301.1); short protein forms G30V, G371V.
Identifiers: ClinVar variation 2970496 (VCV002970496.3), dbSNP rs2548906081, ClinGen allele CA395792907.
Genomic context (GRCh38, chr16:46,732,558, plus strand): 5'-TCTCCGGGCTCAGTCCCAGGGGCTTGGAGGCAGCGCCCGGTCCCAGGTGGGCCCTGCTTG[C>A]CTGGCTGGGCAGCTGCTGGAGCCTCTGTGGTGAGGGTGGGTCCAAGGCTGCCCCTGCCTG-3'
Protein context (NP_872299.2, residues 361-381): TTEAPAAAQP[Gly371Val]KQGPPGTGRC